The following is an entry in ClinVar:

NM_198253.3(TERT):c.2177C>A (p.Thr726Lys)

Gene: TERT (telomerase reverse transcriptase; minus strand). Cytogenetic location: 5p15.33.
Variant type: single nucleotide variant.
Coding change: c.2177C>A on transcript NM_198253.3 (MANE Select); coding-DNA position 2177, C replaced by A.
Protein change: p.Thr726Lys; replaces threonine 726 with lysine.
Molecular consequence: missense variant. On other transcripts: non-coding transcript variant (2).
Genome position (GRCh38, 1-based): chr5:1,278,750, G>T on the plus strand (C>A on the coding strand, the complement: TERT is on the minus strand). VCF-style: chr5-1278750-G-T. GRCh37 (hg19) VCF-style: chr5-1278865-G-T.
Other names: c.2177C>A, p.Thr726Lys (NM_001193376.3, NM_003219.1); short protein forms T726K.
Identifiers: ClinVar variation 1787196 (VCV001787196.2), dbSNP rs149566858, ClinGen allele CA359079553.

ClinVar aggregate classification (germline): Uncertain significance (1 of 4 stars; one submission).

Conditions:
Dyskeratosis congenita. Identifiers: Orphanet 1775, MedGen C0265965, MONDO:0015780.

Submission:

Ambry Genetics
Classification: Uncertain significance for Dyskeratosis congenita. Last evaluated: 2022-05-13. Review status: criteria provided, single submitter. Criteria: Ambry Variant Classification Scheme 2023. Collection method: clinical testing. Allele origin: germline.
Comment: The p.T726K variant (also known as c.2177C>A), located in coding exon 6 of the TERT gene, results from a C to A substitution at nucleotide position 2177. The threonine at codon 726 is replaced by lysine, an amino acid with similar properties. This amino acid position is conserved. In addition, the in silico prediction for this alteration is inconclusive. Since supporting evidence is limited at this time, the clinical significance of this alteration remains unclear.